The following is an entry in ClinVar:

ClinVar aggregate classification (germline): Likely benign (0 of 4 stars; one submission).

Conditions:
MUC16-related disorder. Also called: MUC16-related condition.

Allele frequency attached by ClinVar (database versions not stated): ExAC 0.00001; TOPMed 0.00002; gnomAD 0.00004; 1000 Genomes Project 30x 0.00047; 1000 Genomes Project 0.00060.

Submission:

PreventionGenetics, part of Exact Sciences
Classification: Likely benign for MUC16-related condition. Last evaluated: 2019-04-05. Review status: no assertion criteria provided. Collection method: clinical testing. Allele origin: germline.
Comment: This variant is classified as likely benign based on ACMG/AMP sequence variant interpretation guidelines (Richards et al. 2015 PMID: 25741868, with internal and published modifications).

NM_001401501.2(MUC16):c.2955G>A (p.Thr985=)

Gene: MUC16 (mucin 16, cell surface associated; minus strand). Cytogenetic location: 19p13.2.
Variant type: single nucleotide variant.
Coding change: c.2955G>A on transcript NM_001401501.2 (MANE Select); coding-DNA position 2955, G replaced by A.
Protein change: p.Thr985=; no amino-acid change (threonine 985 retained).
Molecular consequence: synonymous variant.
Genome position (GRCh38, 1-based): chr19:8,978,304, C>T on the plus strand (G>A on the coding strand, the complement: MUC16 is on the minus strand). VCF-style: chr19-8978304-C-T. GRCh37 (hg19) VCF-style: chr19-9088980-C-T.
Other names: c.3381G>A, p.Thr1127= (NM_001414686.1); c.2835G>A, p.Thr945= (NM_001414687.1, NM_024690.2).
Identifiers: ClinVar variation 3046465 (VCV003046465.2), dbSNP rs147706371, ClinGen allele CA9173133.
Genomic context (GRCh38, chr19:8,978,304, plus strand): 5'-TGTGCTTTGGGGTGCAGCAGAGTCATTAAACGTGTCTCTATTGGTCTGTGACATTGTTGC[C>T]GTCCCAGTGAGGTGAGATATTTTAGGAAGAGCTGAACCAGTTGAGTTTGTAACTGAGGTA-3'
Protein context (NP_001388430.1, residues 975-995): ALPKISHLTG[Thr985=]ATMSQTNRDT